The following is an entry in ClinVar:

NM_022773.4(LMF1):c.1120C>T (p.Leu374=)

Gene: LMF1 (lipase maturation factor 1; minus strand). Cytogenetic location: 16p13.3.
Variant type: single nucleotide variant.
Coding change: c.1120C>T on transcript NM_022773.4 (MANE Select); coding-DNA position 1120, C replaced by T.
Protein change: p.Leu374=; no amino-acid change (leucine 374 retained).
Molecular consequence: synonymous variant. On other transcripts: non-coding transcript variant (1).
Genome position (GRCh38, 1-based): chr16:870,841, G>A on the plus strand (C>T on the coding strand, the complement: LMF1 is on the minus strand). VCF-style: chr16-870841-G-A. GRCh37 (hg19) VCF-style: chr16-920841-G-A.
Other names: c.469C>T, p.Leu157= (NM_001352017.2, NM_001352021.2); c.721C>T, p.Leu241= (NM_001352018.2); c.793C>T, p.Leu265= (NM_001352019.2); c.1120C>T, p.Leu374= (NM_001352020.1).
Identifiers: ClinVar variation 707940 (VCV000707940.17), dbSNP rs35265865, ClinGen allele CA7797167.

ClinVar aggregate classification (germline): Benign/Likely benign. Review status: criteria provided, multiple submitters, no conflicts (2 of 4 stars). 6 submissions from 6 submitters: Benign (3); Likely benign (3). Last evaluated 2026-01-19.

Conditions:
LMF1-related disorder. Also called: LMF1-related condition.
Cardiovascular phenotype. Identifiers: MedGen CN230736.

Allele frequency attached by ClinVar (database versions not stated): gnomAD exomes 0.00036 and 0.00101; ExAC 0.00125; ESP Exome Variant Server 0.00321; 1000 Genomes Project 0.00339; 1000 Genomes Project 30x 0.00406; gnomAD 0.00427 and 0.00461; TOPMed 0.00471.
gnomAD v4.1: 1,178 of 1,611,748 alleles (0.073%); highest among the groups gnomAD compares: African/African-American, 1.5%; 6 homozygotes.

Submissions (6):

Labcorp Genetics (formerly Invitae), Labcorp
Classification: Benign. Last evaluated: 2026-01-19. Review status: criteria provided, single submitter. Criteria: Invitae Variant Classification Sherloc (09022015). Collection method: clinical testing. Allele origin: germline.

PreventionGenetics, part of Exact Sciences
Classification: Benign for LMF1-related condition. Last evaluated: 2025-12-16. Review status: criteria provided, single submitter. Criteria: ACMG Guidelines, 2015. Collection method: clinical testing. Allele origin: germline.
Comment: This variant is classified as benign based on ACMG/AMP sequence variant interpretation guidelines (Richards et al. 2015 PMID: 25741868, with internal and published modifications).

Blueprint Genetics
Classification: Likely benign. Last evaluated: 2024-11-27. Review status: criteria provided, single submitter. Criteria: ACMG Guidelines, 2015. Collection method: clinical testing. Allele origin: germline.

GeneDx
Classification: Likely benign. Last evaluated: 2021-02-01. Review status: criteria provided, single submitter. Criteria: GeneDx Variant Classification Process June 2021. Collection method: clinical testing. Allele origin: germline. Affected: yes.

Ambry Genetics
Classification: Benign for Cardiovascular phenotype. Last evaluated: 2019-08-13. Review status: criteria provided, single submitter. Criteria: Ambry Variant Classification Scheme 2023. Collection method: clinical testing. Allele origin: germline.

Breakthrough Genomics
Classification: Likely benign. Review status: criteria provided, single submitter. Criteria: ACMG Guidelines, 2015. Collection method: not provided. Allele origin: germline. Inheritance: Autosomal recessive inheritance. Affected: yes.